The following is an entry in ClinVar:

NM_173353.4(TPH2):c.1125A>T (p.Ala375=)

Gene: TPH2 (tryptophan hydroxylase 2; plus strand). Cytogenetic location: 12q21.1.
Variant type: single nucleotide variant.
Coding change: c.1125A>T on transcript NM_173353.4 (MANE Select); coding-DNA position 1125, A replaced by T.
Protein change: p.Ala375=; no amino-acid change (alanine 375 retained).
Molecular consequence: synonymous variant.
Genome position (GRCh38, 1-based): chr12:72,022,455, A>T. VCF-style: chr12-72022455-A-T. GRCh37 (hg19) VCF-style: chr12-72416235-A-T.
Identifiers: ClinVar variation 310388 (VCV000310388.6), dbSNP rs4290270, ClinGen allele CA6689985.

ClinVar aggregate classification (germline): Benign. Review status: criteria provided, multiple submitters, no conflicts (2 of 4 stars). 2 submissions from 2 submitters: Benign (2). Last evaluated 2018-03-06.

Conditions:
Tryptophan 5-monooxygenase deficiency. Identifiers: MedGen CN120491.

Allele frequency attached by ClinVar (database versions not stated): 1000 Genomes Project 30x 0.48438; 1000 Genomes Project 0.48722; TOPMed 0.54585; gnomAD 0.54705 and 0.54777; ESP Exome Variant Server 0.56620; gnomAD exomes 0.57101 and 0.61941; ExAC 0.57319.
gnomAD v4.1: 986,857 of 1,612,974 alleles (61%); highest among the groups gnomAD compares: Non-Finnish European, 64%; 305,786 homozygotes.

Submissions (2):

Illumina Laboratory Services, Illumina
Classification: Benign for Tryptophan 5-monooxygenase deficiency. Last evaluated: 2018-03-06. Review status: criteria provided, single submitter. Criteria: ICSL Variant Classification Criteria 13 December 2019. Collection method: clinical testing. Allele origin: germline.
Comment: This variant was observed in the ICSL laboratory as part of a predisposition screen in an ostensibly healthy population. It had not been previously curated by ICSL or reported in the Human Gene Mutation Database (HGMD: prior to June 1st, 2018), and was therefore a candidate for classification through an automated scoring system. Utilizing variant allele frequency, disease prevalence and penetrance estimates, and inheritance mode, an automated score was calculated to assess if this variant is too frequent to cause the disease. Based on the score and internal cut-off values, a variant classified as benign is not then subjected to further curation. The score for this variant resulted in a classification of benign for this disease.

Breakthrough Genomics
Classification: Benign. Review status: criteria provided, single submitter. Criteria: ACMG Guidelines, 2015. Collection method: not provided. Allele origin: germline. Inheritance: Unknown mechanism. Affected: yes.